The following is an entry in ClinVar:

ClinVar aggregate classification (germline): Uncertain significance (1 of 4 stars; one submission).

Allele frequency attached by ClinVar (database versions not stated): ExAC 0.00001; gnomAD 0.00001; 1000 Genomes Project 30x 0.00016; 1000 Genomes Project 0.00020.
gnomAD v4.1: 1 of 1,614,020 alleles (0.000062%); highest among the groups gnomAD compares: South Asian, 0.0011%; no homozygotes.

Submission:

Labcorp Genetics (formerly Invitae), Labcorp
Classification: Uncertain significance. Last evaluated: 2023-06-15. Review status: criteria provided, single submitter. Criteria: Invitae Variant Classification Sherloc (09022015). Collection method: clinical testing. Allele origin: germline.
Comment: This sequence change replaces isoleucine, which is neutral and non-polar, with phenylalanine, which is neutral and non-polar, at codon 419 of the ANGPT1 protein (p.Ile419Phe). This variant is present in population databases (rs564597000, gnomAD 0.003%). This variant has not been reported in the literature in individuals affected with ANGPT1-related conditions. An algorithm developed to predict the effect of missense changes on protein structure and function (PolyPhen-2) suggests that this variant is likely to be tolerated. In summary, the available evidence is currently insufficient to determine the role of this variant in disease. Therefore, it has been classified as a Variant of Uncertain Significance.

NM_001146.5(ANGPT1):c.1255A>T (p.Ile419Phe)

Gene: ANGPT1 (angiopoietin 1; minus strand). Cytogenetic location: 8q23.1.
Variant type: single nucleotide variant.
Coding change: c.1255A>T on transcript NM_001146.5 (MANE Select); coding-DNA position 1255, A replaced by T.
Protein change: p.Ile419Phe; replaces isoleucine 419 with phenylalanine.
Molecular consequence: missense variant.
Genome position (GRCh38, 1-based): chr8:107,264,302, T>A on the plus strand (A>T on the coding strand, the complement: ANGPT1 is on the minus strand). VCF-style: chr8-107264302-T-A. GRCh37 (hg19) VCF-style: chr8-108276530-T-A.
Other names: c.1252A>T, p.Ile418Phe (NM_001199859.3); c.655A>T, p.Ile219Phe (NM_001314051.2); short protein forms I418F, I219F, I419F.
Identifiers: ClinVar variation 2716919 (VCV002716919.3), dbSNP rs564597000, ClinGen allele CA4841156.